The following is an entry in ClinVar:

ClinVar aggregate classification (germline): Likely benign (1 of 4 stars; one submission).

gnomAD v4.1: 32 of 1,613,174 alleles (0.002%); highest among the groups gnomAD compares: East Asian, 0.013%; no homozygotes.

Submission:

CeGaT Center for Human Genetics Tuebingen
Classification: Likely benign. Last evaluated: 2026-04-01. Review status: criteria provided, single submitter. Criteria: CeGaT Center For Human Genetics Tuebingen Variant Classification Criteria Version 2. Collection method: clinical testing. Allele origin: germline. Affected: yes. Observed: 1 variant allele.
Comment: HDAC4: BP4

NM_001378414.1(HDAC4):c.2753C>T (p.Thr918Met)

Gene: HDAC4 (histone deacetylase 4; minus strand). Cytogenetic location: 2q37.3.
Variant type: single nucleotide variant.
Coding change: c.2753C>T on transcript NM_001378414.1 (MANE Select); coding-DNA position 2753, C replaced by T.
Protein change: p.Thr918Met; replaces threonine 918 with methionine.
Molecular consequence: missense variant.
Genome position (GRCh38, 1-based): chr2:239,068,605, G>A on the plus strand (C>T on the coding strand, the complement: HDAC4 is on the minus strand). VCF-style: chr2-239068605-G-A. GRCh37 (hg19) VCF-style: chr2-239990301-G-A.
Other names: c.2753C>T, p.Thr918Met (NM_001378415.1); c.2738C>T, p.Thr913Met (NM_001378416.1, NM_001378417.1, NM_006037.4); c.2672C>T, p.Thr891Met (NM_001435991.1, NM_001435992.1); c.2594C>T, p.Thr865Met (NM_001435993.1); short protein forms T865M, T891M, T913M, T918M.
Identifiers: ClinVar variation 4873412 (VCV004873412.2).
Genomic context (GRCh38, chr2:239,068,605, plus strand): 5'-AAGCCTGATGACACCAGCACCACATCCGGGGCAAACTCGCTGGCGATCGGCATGACCACC[G>A]TTCTGCAAAGGACAGGAGAAGGCGTTACTGGGTCAGCTGAAAGAGGGACGGGACGGTCAC-3'
Protein context (NP_001365343.1, residues 908-928): GDAEYLAAFR[Thr918Met]VVMPIASEFA